The following is an entry in ClinVar:

ClinVar aggregate classification (germline): Uncertain significance (1 of 4 stars; one submission).

Allele frequency attached by ClinVar (database versions not stated): gnomAD exomes below 0.00001; ExAC 0.00001.
gnomAD v4.1: 2 of 1,578,938 alleles (0.00013%); highest among the groups gnomAD compares: South Asian, 0.0023%; no homozygotes.

Submission:

CeGaT Center for Human Genetics Tuebingen
Classification: Uncertain significance. Last evaluated: 2023-08-01. Review status: criteria provided, single submitter. Criteria: CeGaT Center For Human Genetics Tuebingen Variant Classification Criteria Version 2. Collection method: clinical testing. Allele origin: germline. Affected: yes. Observed: 1 variant allele.
Comment: COQ4: PM2, BP4

NM_016035.5(COQ4):c.779A>G (p.His260Arg)

Gene: COQ4 (coenzyme Q4; plus strand). Cytogenetic location: 9q34.11.
Variant type: single nucleotide variant.
Coding change: c.779A>G on transcript NM_016035.5 (MANE Select); coding-DNA position 779, A replaced by G.
Protein change: p.His260Arg; replaces histidine 260 with arginine.
Molecular consequence: missense variant. On other transcripts: 3 prime UTR variant (1).
Genome position (GRCh38, 1-based): chr9:128,333,626, A>G. VCF-style: chr9-128333626-A-G. GRCh37 (hg19) VCF-style: chr9-131095905-A-G.
Other names: c.*155A>G (NM_001305942.2); short protein forms H260R.
Identifiers: ClinVar variation 2579072 (VCV002579072.25), dbSNP rs756399844, ClinGen allele CA5260689.